The following is an entry in ClinVar:

ClinVar aggregate classification (germline): Uncertain significance. Review status: reviewed by expert panel (3 of 4 stars). 2 submissions from 2 submitters: Uncertain significance (1). 1 of the submissions does not count toward it. Last evaluated 2024-09-16.

Conditions:
Hereditary thrombocytopenia and hematological cancer predisposition syndrome associated with RUNX1. Also called: Familial Platelet Disorder with Propensity to Acute Myelogenous Leukemia; Familial thrombocytopenia with propensity to acute myelogenous leukemia; PLATELET DISORDER, ASPIRIN-LIKE; RUNX1 Familial Platelet Disorder with Associated Myeloid Malignancies. Identifiers: Orphanet 71290, MedGen C1832388, MeSH C563324, MONDO:0100083, OMIM 601399.
Hereditary thrombocytopenia and hematologic cancer predisposition syndrome. Identifiers: Orphanet 71290, MedGen CN281654, MONDO:0011071.

Submissions (2):

ClinGen Myeloid Malignancy Variant Curation Expert Panel
Classification: Uncertain significance for Hereditary thrombocytopenia and hematologic cancer predisposition syndrome. Last evaluated: 2024-09-16. Review status: reviewed by expert panel. Criteria: ClinGen MyeloMalig ACMG Specifications v2. Collection method: curation. Allele origin: germline. Inheritance: Autosomal dominant inheritance.
Comment: NM_001754.5(RUNX1):c.722A>G (p.His241Arg) is a missense variant which is completely absent from all population databases with at least 20x coverage for RUNX1 (PM2_Supporting). In summary, the clinical significance of this variant is uncertain. ACMG/AMP criteria applied, as specified by the Myeloid Malignancy Variant Curation Expert Panel for RUNX1: PM2_supporting.

Labcorp Genetics (formerly Invitae), Labcorp
Classification: Uncertain significance for Hereditary thrombocytopenia and hematological cancer predisposition syndrome associated with RUNX1. Last evaluated: 2022-11-03. Review status: criteria provided, single submitter. Criteria: Invitae Variant Classification Sherloc (09022015). Collection method: clinical testing. Allele origin: germline. Not counted in ClinVar's aggregate classification.
Comment: Advanced modeling of protein sequence and biophysical properties (such as structural, functional, and spatial information, amino acid conservation, physicochemical variation, residue mobility, and thermodynamic stability) has been performed at Invitae for this missense variant, however the output from this modeling did not meet the statistical confidence thresholds required to predict the impact of this variant on RUNX1 protein function. This variant has not been reported in the literature in individuals affected with RUNX1-related conditions. This variant is not present in population databases (gnomAD no frequency). This sequence change replaces histidine, which is basic and polar, with arginine, which is basic and polar, at codon 241 of the RUNX1 protein (p.His241Arg). In summary, the available evidence is currently insufficient to determine the role of this variant in disease. Therefore, it has been classified as a Variant of Uncertain Significance.

NM_001754.5(RUNX1):c.722A>G (p.His241Arg)

Gene: RUNX1 (RUNX family transcription factor 1; minus strand). Cytogenetic location: 21q22.12.
Variant type: single nucleotide variant.
Coding change: c.722A>G on transcript NM_001754.5 (MANE Select); coding-DNA position 722, A replaced by G.
Protein change: p.His241Arg; replaces histidine 241 with arginine.
Molecular consequence: missense variant.
Genome position (GRCh38, 1-based): chr21:34,834,493, T>C on the plus strand (A>G on the coding strand, the complement: RUNX1 is on the minus strand). VCF-style: chr21-34834493-T-C. GRCh37 (hg19) VCF-style: chr21-36206790-T-C.
Other names: NM_001754.5(RUNX1):c.722A>G; p.His241Arg; c.641A>G, p.His214Arg (NM_001001890.3, NM_001122607.2); short protein forms H214R, H241R.
Identifiers: ClinVar variation 2789785 (VCV002789785.4), dbSNP rs2146075661, ClinGen allele CA410206824.